The following is an entry in ClinVar:

NM_000075.4(CDK4):c.787G>A (p.Glu263Lys)

Genes: CDK4 (cyclin dependent kinase 4; minus strand), TSPAN31 (tetraspanin 31; plus strand). Cytogenetic location: 12q14.1.
Variant type: single nucleotide variant.
Coding change: c.787G>A on transcript NM_000075.4 (MANE Select); coding-DNA position 787, G replaced by A.
Protein change: p.Glu263Lys; replaces glutamic acid 263 with lysine.
Molecular consequence: missense variant. On other transcripts: 3 prime UTR variant (3).
Genome position (GRCh38, 1-based): chr12:57,749,214, C>T on the plus strand (G>A on the coding strand, the complement: CDK4 is on the minus strand). VCF-style: chr12-57749214-C-T. GRCh37 (hg19) VCF-style: chr12-58142997-C-T.
Other names: c.*1924C>T (NM_001330168.2, NM_001330169.2, NM_005981.5); short protein forms E263K.
Identifiers: ClinVar variation 2108370 (VCV002108370.4), dbSNP rs2140382724, ClinGen allele CA385543114.

ClinVar aggregate classification (germline): Uncertain significance (1 of 4 stars; one submission).

Conditions:
Familial melanoma. Also called: Hereditary melanoma; Hereditary cutaneous melanoma. Identifiers: Orphanet 618, MedGen C1512419, MONDO:0018961.

Submission:

Labcorp Genetics (formerly Invitae), Labcorp
Classification: Uncertain significance for Familial melanoma. Last evaluated: 2024-10-24. Review status: criteria provided, single submitter. Criteria: Invitae Variant Classification Sherloc (09022015). Collection method: clinical testing. Allele origin: germline.
Comment: This sequence change replaces glutamic acid, which is acidic and polar, with lysine, which is basic and polar, at codon 263 of the CDK4 protein (p.Glu263Lys). This variant is not present in population databases (gnomAD no frequency). This variant has not been reported in the literature in individuals affected with CDK4-related conditions. ClinVar contains an entry for this variant (Variation ID: 2108370). Invitae Evidence Modeling of protein sequence and biophysical properties (such as structural, functional, and spatial information, amino acid conservation, physicochemical variation, residue mobility, and thermodynamic stability) indicates that this missense variant is not expected to disrupt CDK4 protein function with a negative predictive value of 95%. In summary, the available evidence is currently insufficient to determine the role of this variant in disease. Therefore, it has been classified as a Variant of Uncertain Significance.